The following is an entry in ClinVar:

ClinVar aggregate classification (germline): Pathogenic (1 of 4 stars; one submission).

Conditions:
Neurofibromatosis, type 1 (NF1). Also called: NEUROFIBROMATOSIS, TYPE I, SOMATIC; Peripheral type neurofibromatosis; Neurofibromatosis, type I; VON RECKLINGHAUSEN DISEASE. Identifiers: Orphanet 636, MedGen C0027831, MONDO:0018975, OMIM 162200. Disease mechanism: loss of function.

Submission:

Labcorp Genetics (formerly Invitae), Labcorp
Classification: Pathogenic for Neurofibromatosis, type 1. Last evaluated: 2024-12-15. Review status: criteria provided, single submitter. Criteria: Invitae Variant Classification Sherloc (09022015). Collection method: clinical testing. Allele origin: germline.
Comment: This sequence change creates a premature translational stop signal (p.Leu2526Argfs*6) in the NF1 gene. It is expected to result in an absent or disrupted protein product. Loss-of-function variants in NF1 are known to be pathogenic (PMID: 10712197, 23913538). This variant is not present in population databases (gnomAD no frequency). This variant has not been reported in the literature in individuals affected with NF1-related conditions. For these reasons, this variant has been classified as Pathogenic.

Literature cited by the submitters: PubMed 10712197; PubMed 23913538.

NM_001042492.3(NF1):c.7639_7646del (p.Leu2547fs)

Gene: NF1 (neurofibromin 1; plus strand). Cytogenetic location: 17q11.2.
Variant type: Deletion.
Coding change: c.7639_7646del on transcript NM_001042492.3 (MANE Select); coding-DNA positions 7639 to 7646, 8 bases deleted (TTGATATC; older notation c.7639_7646delTTGATATC).
Protein change: p.Leu2547fs; shifts the reading frame from leucine 2547.
Molecular consequence: frameshift variant.
Genome position (GRCh38, 1-based): chr17:31,356,483-31,356,490, TTGATATC deleted; deleting any 8 consecutive bases within chr17:31,356,482-31,356,490 gives the same sequence; the c. name uses the placement nearest the transcript's 3' end. VCF-style (leftmost placement, unchanged base first): chr17-31356481-ACTTGATAT-A. GRCh37 (hg19) VCF-style: chr17-29683499-ACTTGATAT-A.
Other names: c.7576_7583delTTGATATC, p.Leu2526Argfs (NM_000267.4); short protein forms L2547fs, L2526fs.
Identifiers: ClinVar variation 3727293 (VCV003727293.2).